The following is an entry in ClinVar:

NM_006005.3(WFS1):c.623A>G (p.Asn208Ser)

Gene: WFS1 (wolframin ER transmembrane glycoprotein; plus strand). Cytogenetic location: 4p16.1.
Variant type: single nucleotide variant.
Coding change: c.623A>G on transcript NM_006005.3 (MANE Select); coding-DNA position 623, A replaced by G.
Protein change: p.Asn208Ser; replaces asparagine 208 with serine.
Molecular consequence: missense variant.
Genome position (GRCh38, 1-based): chr4:6,291,359, A>G. VCF-style: chr4-6291359-A-G. GRCh37 (hg19) VCF-style: chr4-6293086-A-G.
Other names: c.623A>G, p.Asn208Ser (NM_001145853.1); short protein forms N208S.
Identifiers: ClinVar variation 1316456 (VCV001316456.11), dbSNP rs776488772, ClinGen allele CA356172167.

ClinVar aggregate classification (germline): Uncertain significance. Review status: criteria provided, multiple submitters, no conflicts (2 of 4 stars). 4 submissions from 4 submitters: Uncertain significance (4). Last evaluated 2025-10-17.

Conditions:
Inborn genetic diseases. Identifiers: MedGen C0950123, MeSH D030342.
Autosomal dominant nonsyndromic hearing loss 6 (LFSNHL). Also called: Autosomal dominant nonsyndromic deafness 6; DEAFNESS, AUTOSOMAL DOMINANT 6; DEAFNESS, AUTOSOMAL DOMINANT 14; DEAFNESS, AUTOSOMAL DOMINANT 38. Identifiers: Orphanet 90635, MedGen C1833021, MONDO:0010963, OMIM 600965.
Type 2 diabetes mellitus. Also called: Type II diabetes mellitus. Identifiers: MedGen C0011860, MeSH D003924, MONDO:0005148, OMIM 125853, HP:0005978.
Wolfram-like syndrome. Also called: HEARING LOSS, PROGRESSIVE, WITH OPTIC ATROPHY AND/OR IMPAIRED GLUCOSE REGULATION. Identifiers: Orphanet 411590, MedGen C3280358, MONDO:0013673, OMIM 614296.
Cataract 41 (CTRCT41). Also called: CATARACT 41, CONGENITAL NUCLEAR TYPE. Identifiers: Orphanet 91492, Orphanet 98991, Orphanet 98992, Orphanet 98995, MedGen C3805412, MONDO:0007287, OMIM 116400.
Wolfram syndrome 1 (WFS1). Identifiers: Orphanet 3463, MedGen C4551693, MONDO:0009101, OMIM 222300.

Allele frequency attached by ClinVar (database versions not stated): TOPMed 0.00001.
gnomAD v4.1: 22 of 1,612,696 alleles (0.0014%); highest among the groups gnomAD compares: Non-Finnish European, 0.0018%; no homozygotes.

Submissions (4):

Ambry Genetics
Classification: Uncertain significance for Inborn genetic diseases. Last evaluated: 2025-10-17. Review status: criteria provided, single submitter. Criteria: Ambry Variant Classification Scheme 2023. Collection method: clinical testing. Allele origin: germline.
Comment: The c.623A>G (p.N208S) alteration is located in exon 5 (coding exon 4) of the WFS1 gene. This alteration results from an A to G substitution at nucleotide position 623, causing the asparagine (N) at amino acid position 208 to be replaced by a serine (S). Based on data from gnomAD, the G allele has an overall frequency of 0.001% (2/248180) total alleles studied. The highest observed frequency was 0.006% (1/16058) of African alleles. This amino acid position is not well conserved in available vertebrate species. The in silico prediction for this alteration is inconclusive. Based on insufficient or conflicting evidence, the clinical significance of this alteration remains unclear.

Labcorp Genetics (formerly Invitae), Labcorp
Classification: Uncertain significance. Last evaluated: 2025-08-17. Review status: criteria provided, single submitter. Criteria: Invitae Variant Classification Sherloc (09022015). Collection method: clinical testing. Allele origin: germline.
Comment: This sequence change replaces asparagine, which is neutral and polar, with serine, which is neutral and polar, at codon 208 of the WFS1 protein (p.Asn208Ser). This variant is present in population databases (no rsID available, gnomAD 0.007%). This variant has not been reported in the literature in individuals affected with WFS1-related conditions. ClinVar contains an entry for this variant (Variation ID: 1316456). Invitae Evidence Modeling of protein sequence and biophysical properties (such as structural, functional, and spatial information, amino acid conservation, physicochemical variation, residue mobility, and thermodynamic stability) has been performed for this missense variant. However, the output from this modeling did not meet the statistical confidence thresholds required to predict the impact of this variant on WFS1 protein function. Algorithms developed to predict the effect of sequence changes on RNA splicing suggest that this variant may disrupt the consensus splice site. In summary, the available evidence is currently insufficient to determine the role of this variant in disease. Therefore, it has been classified as a Variant of Uncertain Significance.

GeneDx
Classification: Uncertain significance. Last evaluated: 2024-09-05. Review status: criteria provided, single submitter. Criteria: GeneDx Variant Classification Process June 2021. Collection method: clinical testing. Allele origin: germline. Affected: yes.
Comment: Not observed at significant frequency in large population cohorts (gnomAD); In silico analysis indicates that this missense variant does not alter protein structure/function; Has not been previously published as pathogenic or benign to our knowledge; In silico analysis suggests this variant may impact gene splicing. In the absence of RNA/functional studies, the actual effect of this sequence change is unknown.

Fulgent Genetics
Classification: Uncertain significance for Cataract 41; Type 2 diabetes mellitus; Wolfram syndrome 1; Autosomal dominant nonsyndromic hearing loss 6; Wolfram-like syndrome. Last evaluated: 2022-02-22. Review status: criteria provided, single submitter. Criteria: ACMG Guidelines, 2015. Collection method: clinical testing. Allele origin: unknown.